The following is an entry in ClinVar:

ClinVar aggregate classification (germline): Uncertain significance (1 of 4 stars; one submission).

Allele frequency attached by ClinVar (database versions not stated): TOPMed below 0.00001; gnomAD exomes 0.00001.
gnomAD v4.1: 4 of 1,613,984 alleles (0.00025%); highest among the groups gnomAD compares: Admixed American, 0.0067%; no homozygotes.

Submission:

Ambry Genetics
Classification: Uncertain significance. Last evaluated: 2017-07-20. Review status: criteria provided, single submitter. Criteria: Ambry Variant Classification Scheme 2023. Collection method: clinical testing. Allele origin: germline.
Comment: The p.E163D variant (also known as c.489A>T), located in coding exon 6 of the KATNAL2 gene, results from an A to T substitution at nucleotide position 489. The glutamic acid at codon 163 is replaced by aspartic acid, an amino acid with highly similar properties. This amino acid position is well conserved in available vertebrate species. In addition, this alteration is predicted to be deleterious by in silico analysis. Since supporting evidence is limited at this time, the clinical significance of this alteration remains unclear.

NM_001387690.1(KATNAL2):c.705A>T (p.Glu235Asp)

Gene: KATNAL2 (katanin catalytic subunit A1 like 2; plus strand). Cytogenetic location: 18q21.1.
Variant type: single nucleotide variant.
Coding change: c.705A>T on transcript NM_001387690.1 (MANE Select); coding-DNA position 705, A replaced by T.
Protein change: p.Glu235Asp; replaces glutamic acid 235 with aspartic acid.
Molecular consequence: missense variant. On other transcripts: non-coding transcript variant (1).
Genome position (GRCh38, 1-based): chr18:47,063,340, A>T. VCF-style: chr18-47063340-A-T. GRCh37 (hg19) VCF-style: chr18-44589711-A-T.
Other names: c.783A>T, p.Glu261Asp (NM_001353899.1, NM_001353902.1); c.780A>T, p.Glu260Asp (NM_001353900.1); c.705A>T, p.Glu235Asp (NM_001353901.1, NM_001367621.1); c.372A>T, p.Glu124Asp (NM_001353903.1, NM_001353904.1, NM_001353905.1 and 4 more transcripts); c.489A>T, p.Glu163Asp (NM_031303.3); short protein forms E124D, E163D, E235D, E260D, E261D.
Identifiers: ClinVar variation 1743897 (VCV001743897.2), dbSNP rs1360073339, ClinGen allele CA402407809.